The following is an entry in ClinVar:

ClinVar aggregate classification (germline): Uncertain significance (1 of 4 stars; one submission).

gnomAD v4.1: 1 of 1,566,272 alleles (0.000064%); highest among the groups gnomAD compares: Non-Finnish European, 0.000087%; no homozygotes.

Submission:

Women's Health and Genetics/Laboratory Corporation of America, LabCorp
Classification: Uncertain significance. Last evaluated: 2024-11-01. Review status: criteria provided, single submitter. Criteria: LabCorp Variant Classification Summary - May 2015. Collection method: clinical testing. Allele origin: germline.
Comment: Variant summary: SHANK1 c.6043C>T (p.Pro2015Ser) results in a non-conservative amino acid change in the encoded protein sequence. Three of five in-silico tools predict a damaging effect of the variant on protein function. The variant was absent in 191326 control chromosomes. The available data on variant occurrences in the general population are insufficient to allow any conclusion about variant significance. To our knowledge, no occurrence of c.6043C>T in individuals affected with SHANK1-Related Disorders and no experimental evidence demonstrating its impact on protein function have been reported. No submitters have cited clinical-significance assessments for this variant to ClinVar. Based on the evidence outlined above, the variant was classified as uncertain significance.

NM_016148.5(SHANK1):c.6043C>T (p.Pro2015Ser)

Gene: SHANK1 (SH3 and multiple ankyrin repeat domains 1; minus strand). Cytogenetic location: 19q13.33.
Variant type: single nucleotide variant.
Coding change: c.6043C>T on transcript NM_016148.5 (MANE Select); coding-DNA position 6043, C replaced by T.
Protein change: p.Pro2015Ser; replaces proline 2015 with serine.
Molecular consequence: missense variant.
Genome position (GRCh38, 1-based): chr19:50,662,408, G>A on the plus strand (C>T on the coding strand, the complement: SHANK1 is on the minus strand). VCF-style: chr19-50662408-G-A. GRCh37 (hg19) VCF-style: chr19-51165665-G-A.
Other names: short protein forms P2015S.
Identifiers: ClinVar variation 3629903 (VCV003629903.1).